The following is an entry in ClinVar:

NM_000322.5(PRPH2):c.794T>A (p.Met265Lys)

Gene: PRPH2 (peripherin 2; minus strand). Cytogenetic location: 6p21.1.
Variant type: single nucleotide variant.
Coding change: c.794T>A on transcript NM_000322.5 (MANE Select); coding-DNA position 794, T replaced by A.
Protein change: p.Met265Lys; replaces methionine 265 with lysine.
Molecular consequence: missense variant.
Genome position (GRCh38, 1-based): chr6:42,704,399, A>T on the plus strand (T>A on the coding strand, the complement: PRPH2 is on the minus strand). VCF-style: chr6-42704399-A-T. GRCh37 (hg19) VCF-style: chr6-42672137-A-T.
Other names: short protein forms M265K.
Identifiers: ClinVar variation 1430250 (VCV001430250.7), dbSNP rs1582764600, ClinGen allele CA364134725.

ClinVar aggregate classification (germline): Uncertain significance (1 of 4 stars; one submission).

Conditions:
PRPH2-related disorder. Also called: PRPH2-related condition; PRPH2-related disorders. Identifiers: MedGen CN239395.

Submission:

Labcorp Genetics (formerly Invitae), Labcorp
Classification: Uncertain significance for PRPH2-related disorder. Last evaluated: 2022-07-29. Review status: criteria provided, single submitter. Criteria: Invitae Variant Classification Sherloc (09022015). Collection method: clinical testing. Allele origin: germline.
Comment: This variant has not been reported in the literature in individuals affected with PRPH2-related conditions. This sequence change replaces methionine, which is neutral and non-polar, with lysine, which is basic and polar, at codon 265 of the PRPH2 protein (p.Met265Lys). This variant is not present in population databases (gnomAD no frequency). ClinVar contains an entry for this variant (Variation ID: 1430250). Advanced modeling of protein sequence and biophysical properties (such as structural, functional, and spatial information, amino acid conservation, physicochemical variation, residue mobility, and thermodynamic stability) performed at Invitae indicates that this missense variant is expected to disrupt PRPH2 protein function. Algorithms developed to predict the effect of sequence changes on RNA splicing suggest that this variant may create or strengthen a splice site. In summary, the available evidence is currently insufficient to determine the role of this variant in disease. Therefore, it has been classified as a Variant of Uncertain Significance.